The following is an entry in ClinVar:

NM_001145809.2(MYH14):c.5073G>A (p.Met1691Ile)

Gene: MYH14 (myosin heavy chain 14; plus strand). Cytogenetic location: 19q13.33.
Variant type: single nucleotide variant.
Coding change: c.5073G>A on transcript NM_001145809.2 (MANE Select); coding-DNA position 5073, G replaced by A.
Protein change: p.Met1691Ile; replaces methionine 1691 with isoleucine.
Molecular consequence: missense variant.
Genome position (GRCh38, 1-based): chr19:50,290,994, G>A. VCF-style: chr19-50290994-G-A. GRCh37 (hg19) VCF-style: chr19-50794251-G-A.
Other names: c.4974G>A, p.Met1658Ile (NM_001077186.2); c.4950G>A, p.Met1650Ile (NM_024729.4); short protein forms M1691I, M1658I, M1650I.
Identifiers: ClinVar variation 1922975 (VCV001922975.5), dbSNP rs890568303, ClinGen allele CA309586073.

ClinVar aggregate classification (germline): Uncertain significance (1 of 4 stars; one submission).

Allele frequency attached by ClinVar (database versions not stated): gnomAD exomes below 0.00001; TOPMed below 0.00001; gnomAD 0.00001.

Submission:

Labcorp Genetics (formerly Invitae), Labcorp
Classification: Uncertain significance. Last evaluated: 2022-05-10. Review status: criteria provided, single submitter. Criteria: Invitae Variant Classification Sherloc (09022015). Collection method: clinical testing. Allele origin: germline.
Comment: Algorithms developed to predict the effect of missense changes on protein structure and function output the following: SIFT: "Tolerated"; PolyPhen-2: "Benign"; Align-GVGD: "Class C0". The isoleucine amino acid residue is found in multiple mammalian species, which suggests that this missense change does not adversely affect protein function. In summary, the available evidence is currently insufficient to determine the role of this variant in disease. Therefore, it has been classified as a Variant of Uncertain Significance. This variant has not been reported in the literature in individuals affected with MYH14-related conditions. This variant is not present in population databases (gnomAD no frequency). This sequence change replaces methionine, which is neutral and non-polar, with isoleucine, which is neutral and non-polar, at codon 1650 of the MYH14 protein (p.Met1650Ile).